The following is an entry in ClinVar:

NM_052844.4(DYNC2I2):c.803_804del (p.Pro268fs)

Genes: DYNC2I2 (dynein 2 intermediate chain 2; minus strand), LOC126860772 (CDK7 strongly-dependent group 2 enhancer GRCh37_chr9:131396972-131398171; plus strand). Cytogenetic location: 9q34.11.
Variant type: Deletion.
Coding change: c.803_804del on transcript NM_052844.4 (MANE Select); coding-DNA positions 803 to 804, 2 bases deleted (CT; older notation c.803_804delCT).
Protein change: p.Pro268fs; shifts the reading frame from proline 268.
Molecular consequence: frameshift variant.
Genome position (GRCh38, 1-based): chr9:128,635,667-128,635,668, AG deleted on the plus strand (CT on the coding strand, the reverse complement: DYNC2I2 is on the minus strand). VCF-style (leftmost placement, unchanged base first): chr9-128635666-CAG-C. GRCh37 (hg19) VCF-style: chr9-131397945-CAG-C.
Other names: short protein forms P268fs.
Identifiers: ClinVar variation 4884481 (VCV004884481.1).

ClinVar aggregate classification (germline): Likely pathogenic (1 of 4 stars; one submission).

Conditions:
Short-rib thoracic dysplasia 11 with or without polydactyly (SRTD11). Also called: SHORT-RIB THORACIC DYSPLASIA 11 WITHOUT POLYDACTYLY. Identifiers: Orphanet 474, Orphanet 93271, MedGen C3810200, MONDO:0014287, OMIM 615633.

Submission:

Diagnostics Services (NGS), CSIR - Centre For Cellular And Molecular Biology
Classification: Likely pathogenic for Short-rib thoracic dysplasia 11 with or without polydactyly. Last evaluated: 2026-07-10. Review status: criteria provided, single submitter. Criteria: ACMG Guidelines, 2015. Collection method: clinical testing. Allele origin: germline. Affected: no. Observed: 1 variant allele, 1 heterozygote.